The following is an entry in ClinVar:

ClinVar aggregate classification (germline): Likely pathogenic (1 of 4 stars; one submission).

Conditions:
Cardiovascular phenotype. Identifiers: MedGen CN230736.

Submission:

Ambry Genetics
Classification: Likely pathogenic for Cardiovascular phenotype. Last evaluated: 2020-08-18. Review status: criteria provided, single submitter. Criteria: Ambry Variant Classification Scheme 2023. Collection method: clinical testing. Allele origin: germline.
Comment: The c.15591delG variant, located in coding exon 59 of the TTN gene, results from a deletion of one nucleotide at nucleotide position 15591, causing a translational frameshift with a predicted alternate stop codon (p.W5197Cfs*25). This exon is located in the I-band region of the N2-B isoform of the titin protein and is constitutively expressed in TTN transcripts (percent spliced in or PSI 100%). This alteration is expected to result in loss of function by premature protein truncation or nonsense-mediated mRNA decay. While truncating variants in TTN are present in 1-3% of the general population, truncating variants in the A-band are the most common cause of dilated cardiomyopathy (DCM) (Herman DS et al. N. Engl. J. Med., 2012 Feb;366:619-28; Roberts AM et al. Sci Transl Med, 2015 Jan;7:270ra6). TTN truncating variants encoded in constitutive exons (PSI >90%) have been found to be significantly associated with DCM regardless of their position in titin (Schafer S et al. Nat. Genet., 2017 01;49:46-53). As such, this alteration is classified as likely pathogenic.

NM_001267550.2(TTN):c.42786del (p.Trp14262fs)

Gene: TTN (titin; minus strand). Cytogenetic location: 2q31.2.
Variant type: Deletion.
Coding change: c.42786del on transcript NM_001267550.2 (MANE Select); coding-DNA position 42786, one base deleted (G; older notation c.42786delG).
Protein change: p.Trp14262fs; shifts the reading frame from tryptophan 14262.
Molecular consequence: frameshift variant.
Genome position (GRCh38, 1-based): chr2:178,633,573, C deleted on the plus strand (G on the coding strand, the reverse complement: TTN is on the minus strand); the first of 2 consecutive C bases (chr2:178,633,573-178,633,574); deleting either gives the same sequence. VCF-style (leftmost placement, unchanged base first): chr2-178633572-AC-A. GRCh37 (hg19) VCF-style: chr2-179498299-AC-A.
Other names: c.37863del, p.Trp12621fs (NM_001256850.1); c.15591del, p.Trp5197fs (NM_003319.4); c.35082del, p.Trp11694fs (NM_133378.4); c.15966del, p.Trp5322fs (NM_133432.3); c.16167del, p.Trp5389fs (NM_133437.4); c.15591delG (NM_003319.4); short protein forms W12621fs, W5389fs, W14262fs, W5197fs, W11694fs, W5322fs.
Identifiers: ClinVar variation 1775204 (VCV001775204.2), dbSNP rs2471513686, ClinGen allele CA2580065147.